The following is an entry in ClinVar:

ClinVar aggregate classification (germline): Uncertain significance (1 of 4 stars; one submission).

Submission:

GeneDx
Classification: Uncertain significance. Last evaluated: 2020-02-04. Review status: criteria provided, single submitter. Criteria: GeneDx Variant Classification Process June 2021. Collection method: clinical testing. Allele origin: germline. Affected: yes.
Comment: Not observed at a significant frequency in large population cohorts (Lek et al., 2016); In silico analysis supports that this missense variant has a deleterious effect on protein structure/function; Has not been previously published as pathogenic or benign to our knowledge

NM_003482.4(KMT2D):c.4787G>T (p.Gly1596Val)

Gene: KMT2D (lysine methyltransferase 2D; minus strand). Cytogenetic location: 12q13.12.
Variant type: single nucleotide variant.
Coding change: c.4787G>T on transcript NM_003482.4 (MANE Select); coding-DNA position 4787, G replaced by T.
Protein change: p.Gly1596Val; replaces glycine 1596 with valine.
Molecular consequence: missense variant.
Genome position (GRCh38, 1-based): chr12:49,044,920, C>A on the plus strand (G>T on the coding strand, the complement: KMT2D is on the minus strand). VCF-style: chr12-49044920-C-A. GRCh37 (hg19) VCF-style: chr12-49438703-C-A.
Other names: short protein forms G1596V.
Identifiers: ClinVar variation 1304742 (VCV001304742.2), dbSNP rs2120589514, ClinGen allele CA384641179.
Genomic context (GRCh38, chr12:49,044,920, plus strand): 5'-CCTCGCCGTTGGCGCCGCTTGTGCAGTGGTGACATGGTCAGGTTACGCAGCAAGGCCATG[C>A]CAGTTTCTGTCAGCCACACACCTTCGAAGCGAAAGTACTGGGGCTCTGCATAAGAGGAAA-3'
Protein context (NP_003473.3, residues 1586-1606): RFEGVWLTET[Gly1596Val]MALLRNLTMS